The following is an entry in ClinVar:

NM_020987.5(ANK3):c.12531T>C (p.Tyr4177=)

Gene: ANK3 (ankyrin 3; minus strand). Cytogenetic location: 10q21.2.
Variant type: single nucleotide variant.
Coding change: c.12531T>C on transcript NM_020987.5 (MANE Select); coding-DNA position 12531, T replaced by C.
Protein change: p.Tyr4177=; no amino-acid change (tyrosine 4177 retained).
Molecular consequence: synonymous variant.
Genome position (GRCh38, 1-based): chr10:60,063,175, A>G on the plus strand (T>C on the coding strand, the complement: ANK3 is on the minus strand). VCF-style: chr10-60063175-A-G. GRCh37 (hg19) VCF-style: chr10-61822933-A-G.
Other names: c.12531T>C (NM_020987.4); c.2094T>C, p.Tyr698= (NM_001149.4); c.4674T>C, p.Tyr1558= (NM_001204403.2); c.4695T>C, p.Tyr1565= (NM_001204404.2); c.4692T>C, p.Tyr1564= (NM_001320874.2).
Identifiers: ClinVar variation 2074287 (VCV002074287.6), dbSNP rs776216772, ClinGen allele CA5510868.

ClinVar aggregate classification (germline): Likely benign. Review status: criteria provided, single submitter (1 of 4 stars). 2 submissions from 2 submitters: Likely benign (1). 1 of the submissions does not count toward it. Last evaluated 2022-11-01.

Conditions:
ANK3-related disorder. Also called: ANK3-related condition.

Allele frequency attached by ClinVar (database versions not stated): TOPMed 0.00007; gnomAD 0.00001; gnomAD exomes 0.00002; ExAC 0.00005.
gnomAD v4.1: 25 of 1,613,446 alleles (0.0015%); highest among the groups gnomAD compares: Admixed American, 0.042%; no homozygotes.

Submissions (2):

Labcorp Genetics (formerly Invitae), Labcorp
Classification: Likely benign. Last evaluated: 2022-11-01. Review status: criteria provided, single submitter. Criteria: Invitae Variant Classification Sherloc (09022015). Collection method: clinical testing. Allele origin: germline.

PreventionGenetics, part of Exact Sciences
Classification: Likely benign for ANK3-related condition. Last evaluated: 2019-04-29. Review status: no assertion criteria provided. Collection method: clinical testing. Allele origin: germline. Not counted in ClinVar's aggregate classification.
Comment: This variant is classified as likely benign based on ACMG/AMP sequence variant interpretation guidelines (Richards et al. 2015 PMID: 25741868, with internal and published modifications).